The following is an entry in ClinVar:

ClinVar aggregate classification (germline): Likely benign. Review status: criteria provided, multiple submitters, no conflicts (2 of 4 stars). 2 submissions from 2 submitters: Likely benign (2). Last evaluated 2025-09-17.

Conditions:
CDC14A-related disorder. Also called: CDC14A-related condition.

Allele frequency attached by ClinVar (database versions not stated): gnomAD exomes 0.00004 and 0.00026; gnomAD 0.00009 and 0.00010; ExAC 0.00024; 1000 Genomes Project 0.00040; 1000 Genomes Project 30x 0.00047.
gnomAD v4.1: 73 of 1,614,142 alleles (0.0045%); highest among the groups gnomAD compares: East Asian, 0.15%; no homozygotes.

Submissions (2):

PreventionGenetics, part of Exact Sciences
Classification: Likely benign for CDC14A-related condition. Last evaluated: 2025-09-17. Review status: criteria provided, single submitter. Criteria: ACMG Guidelines, 2015. Collection method: clinical testing. Allele origin: germline.
Comment: This variant is classified as likely benign based on ACMG/AMP sequence variant interpretation guidelines (Richards et al. 2015 PMID: 25741868, with internal and published modifications).

Labcorp Genetics (formerly Invitae), Labcorp
Classification: Likely benign. Last evaluated: 2025-03-05. Review status: criteria provided, single submitter. Criteria: Invitae Variant Classification Sherloc (09022015). Collection method: clinical testing. Allele origin: germline.

NM_003672.4(CDC14A):c.748A>G (p.Ile250Val)

Gene: CDC14A (cell division cycle 14A; plus strand). Cytogenetic location: 1p21.2.
Variant type: single nucleotide variant.
Coding change: c.748A>G on transcript NM_003672.4 (MANE Select); coding-DNA position 748, A replaced by G.
Protein change: p.Ile250Val; replaces isoleucine 250 with valine.
Molecular consequence: missense variant. On other transcripts: 5 prime UTR variant (1).
Genome position (GRCh38, 1-based): chr1:100,462,791, A>G. VCF-style: chr1-100462791-A-G. GRCh37 (hg19) VCF-style: chr1-100928347-A-G.
Other names: c.748A>G, p.Ile250Val (NM_001319210.2, NM_033312.3, NM_033313.3); c.574A>G, p.Ile192Val (NM_001319211.2); c.-132A>G (NM_001319212.2); c.748A>G (NM_033312.2); short protein forms I192V, I250V.
Identifiers: ClinVar variation 1553583 (VCV001553583.9), dbSNP rs200624804, ClinGen allele CA970677.